The following is an entry in ClinVar:

NM_000548.5(TSC2):c.4493+16_4493+17delinsGT

Gene: TSC2 (TSC complex subunit 2; plus strand). Cytogenetic location: 16p13.3.
Variant type: Indel.
Coding change: c.4493+16_4493+17delinsGT on transcript NM_000548.5 (MANE Select); bases 16 to 17 of the intron after coding-DNA position 4493, CC replaced by GT.
Molecular consequence: intron variant.
Genome position (GRCh38, 1-based): chr16:2,084,731-2,084,732, CC replaced by GT. VCF-style: chr16-2084731-CC-GT. GRCh37 (hg19) VCF-style: chr16-2134732-CC-GT.
Other names: c.4424+16_4424+17delinsGT (NM_001114382.3); c.4364+16_4364+17delinsGT (NM_021055.3, NM_001370405.1); c.4295+16_4295+17delinsGT (NM_001363528.2); c.4361+16_4361+17delinsGT (NM_001370404.1); c.4292+16_4292+17delinsGT (NM_001077183.3); c.4184+16_4184+17delinsGT (NM_001318827.2); c.3761+16_3761+17delinsGT (NM_001318831.2); c.4148+16_4148+17delinsGT (NM_001318829.2); and 1 more.
Identifiers: ClinVar variation 1585554 (VCV001585554.10), dbSNP rs2151539107, ClinGen allele CA2573151670.

ClinVar aggregate classification (germline): Benign/Likely benign. Review status: criteria provided, multiple submitters, no conflicts (2 of 4 stars). 3 submissions from 3 submitters: Benign (1); Likely benign (2). Last evaluated 2026-02-17.

Conditions:
Lymphangiomyomatosis (LAM). Also called: Lymphangioleiomyomatosis; Lymphangioleiomyomatosis, somatic. Identifiers: Orphanet 538, MedGen C0751674, MONDO:0011705, OMIM 606690.
Isolated focal cortical dysplasia type II (FCORD2). Also called: CORTICAL DYSPLASIA OF TAYLOR; Focal cortical dysplasia type II. Identifiers: Orphanet 268994, MedGen C1846385, MONDO:0011818, OMIM 607341, HP:0032051.
Tuberous sclerosis 2 (TSC2). Identifiers: Orphanet 805, MedGen C1860707, MONDO:0013199, OMIM 613254.

Submissions (3):

Women's Health and Genetics/Laboratory Corporation of America, LabCorp
Classification: Benign. Last evaluated: 2026-02-17. Review status: criteria provided, single submitter. Criteria: LabCorp Variant Classification Summary - May 2015. Collection method: clinical testing. Allele origin: germline.
Comment: Variant summary: TSC2 c.4493+16_4493+17delinsGT alters nucleotides located at a position not widely known to affect splicing. Consensus agreement among computation tools predict no significant impact on normal splicing. However, these predictions have yet to be confirmed by functional studies. The variant allele was found at a frequency of 0.00012 in 266852 control chromosomes. The observed variant frequency exceeds the estimated maximal expected allele frequency for disease-causing variants in TSC2. To our knowledge, no occurrence of c.4493+16_4493+17delinsGT in individuals affected with TSC2-related conditions and no experimental evidence demonstrating its impact on protein function have been reported. ClinVar contains an entry for this variant (Variation ID: 1585554). Based on the evidence outlined above, the variant was classified as benign.

Labcorp Genetics (formerly Invitae), Labcorp
Classification: Likely benign for Tuberous sclerosis 2. Last evaluated: 2026-02-02. Review status: criteria provided, single submitter. Criteria: Invitae Variant Classification Sherloc (09022015). Collection method: clinical testing. Allele origin: germline.

Fulgent Genetics
Classification: Likely benign for Lymphangiomyomatosis; Isolated focal cortical dysplasia type II; Tuberous sclerosis 2. Last evaluated: 2021-10-07. Review status: criteria provided, single submitter. Criteria: ACMG Guidelines, 2015. Collection method: clinical testing. Allele origin: unknown.